The following is an entry in ClinVar:

NM_022455.5(NSD1):c.7922C>T (p.Ala2641Val)

Gene: NSD1 (nuclear receptor binding SET domain protein 1; plus strand). Cytogenetic location: 5q35.3.
Variant type: single nucleotide variant.
Coding change: c.7922C>T on transcript NM_022455.5 (MANE Select); coding-DNA position 7922, C replaced by T.
Protein change: p.Ala2641Val; replaces alanine 2641 with valine.
Molecular consequence: missense variant.
Genome position (GRCh38, 1-based): chr5:177,295,290, C>T. VCF-style: chr5-177295290-C-T. GRCh37 (hg19) VCF-style: chr5-176722291-C-T.
Other names: c.6800C>T, p.Ala2267Val (NM_001409309.1); c.7049C>T, p.Ala2350Val (NM_172349.5, NM_001365684.2, NM_001409308.1); c.7922C>T, p.Ala2641Val (NM_001409301.1, NM_001409302.1, NM_001409303.1); c.7502C>T, p.Ala2501Val (NM_001409304.1); c.7169C>T, p.Ala2390Val (NM_001409305.1); c.7160C>T, p.Ala2387Val (NM_001409306.1, NM_001409307.1); short protein forms A2641V, A2372V, A2267V, A2387V, A2501V, A2350V, A2390V.
Identifiers: ClinVar variation 1033597 (VCV001033597.5), dbSNP rs1371700950, ClinGen allele CA362335022.

ClinVar aggregate classification (germline): Uncertain significance. Review status: criteria provided, multiple submitters, no conflicts (2 of 4 stars). 3 submissions from 3 submitters: Uncertain significance (3). Last evaluated 2025-01-13.

Conditions:
Sotos syndrome (SOTOS). Also called: Sotos' syndrome; CHROMOSOME 5q35 DELETION SYNDROME; SOTOS SYNDROME 1; Distinctive facial appearance, overgrowth in childhood, and learning disabilities or delayed development; CEREBRAL GIGANTISM. Identifiers: Orphanet 821, MedGen C0175695, MONDO:0019349, OMIM 117550.

Allele frequency attached by ClinVar (database versions not stated): TOPMed below 0.00001.

Submissions (3):

Labcorp Genetics (formerly Invitae), Labcorp
Classification: Uncertain significance. Last evaluated: 2025-01-13. Review status: criteria provided, single submitter. Criteria: Invitae Variant Classification Sherloc (09022015). Collection method: clinical testing. Allele origin: germline.
Comment: This sequence change replaces alanine, which is neutral and non-polar, with valine, which is neutral and non-polar, at codon 2641 of the NSD1 protein (p.Ala2641Val). This variant is not present in population databases (gnomAD no frequency). This variant has not been reported in the literature in individuals affected with NSD1-related conditions. ClinVar contains an entry for this variant (Variation ID: 1033597). Invitae Evidence Modeling of protein sequence and biophysical properties (such as structural, functional, and spatial information, amino acid conservation, physicochemical variation, residue mobility, and thermodynamic stability) indicates that this missense variant is not expected to disrupt NSD1 protein function with a negative predictive value of 95%. In summary, the available evidence is currently insufficient to determine the role of this variant in disease. Therefore, it has been classified as a Variant of Uncertain Significance.

Daryl Scott Lab, Baylor College of Medicine
Classification: Uncertain significance for Sotos syndrome. Last evaluated: 2024-04-01. Review status: criteria provided, single submitter. Criteria: ACMG Guidelines, 2015. Collection method: clinical testing. Allele origin: paternal. Observed: 1 heterozygote.
Comment: PM2

Baylor Genetics
Classification: Uncertain significance for Sotos syndrome. Last evaluated: 2018-12-03. Review status: criteria provided, single submitter. Criteria: ACMG Guidelines, 2015. Collection method: clinical testing. Allele origin: paternal. Affected: yes.
Comment: This variant was determined to be of uncertain significance according to ACMG Guidelines, 2015 [PMID:25741868]. Sotos syndrome is associated with the major features of behavioral problems, congenital cardiac anomalies, neonatal jaundice, renal anomalies, scoliosis, and seizures, Additionally, two patients with a clinical diagnosis of Beckwith-Wiedemann syndrome (BWS) [MIM:130650] have been found to have mutations in NSD1 [PMID:14997421].

Literature cited by the submitters: PubMed 14997421 (cited by Baylor Genetics).